The following is an entry in ClinVar:

NM_000191.3(HMGCL):c.606_622dup (p.Val208fs)

Gene: HMGCL (3-hydroxy-3-methylglutaryl-CoA lyase; minus strand). Cytogenetic location: 1p36.11.
Variant type: Duplication.
Coding change: c.606_622dup on transcript NM_000191.3 (MANE Select); coding-DNA positions 606 to 622, 17 bases duplicated (GGGGGACACCATTGGTG).
Protein change: p.Val208fs; shifts the reading frame from valine 208.
Molecular consequence: frameshift variant.
Genome position (GRCh38, 1-based): chr1:23,808,263-23,808,279, CACCAATGGTGTCCCCC duplicated on the plus strand (GGGGGACACCATTGGTG on the coding strand, the reverse complement: HMGCL is on the minus strand). VCF-style (leftmost placement, unchanged base first): chr1-23808262-A-ACACCAATGGTGTCCCCC. GRCh37 (hg19) VCF-style: chr1-24134752-A-ACACCAATGGTGTCCCCC.
Other names: c.393_409dup, p.Val137fs (NM_001166059.2); short protein forms V137fs, V208fs.
Identifiers: ClinVar variation 4814231 (VCV004814231.1).
Genomic context (GRCh38, chr1:23,808,262, plus strand): 5'-GCCAGAGGCACTTCCTGCATGACAGCAGATAGCATGTCTTTCATGATCCCTGGGGTGCCC[A>ACACCAATGGTGTCCCCC]CACCAATGGTGTCCCCCAGGGAGATCTCGTAGCAGCCCATTGAGTAGAACTTCTTGGTGA-3'

ClinVar aggregate classification (germline): Pathogenic (1 of 4 stars; one submission).

Conditions:
Deficiency of hydroxymethylglutaryl-CoA lyase (HMGCLD). Also called: HMGCL DEFICIENCY; HYDROXYMETHYLGLUTARIC ACIDURIA; Defect in leucine metabolism; 3-hydroxy-3-methylglutaric aciduria; HMG-CoA LYASE DEFICIENCY. Identifiers: Orphanet 20, MedGen C1533587, MONDO:0009520, OMIM 246450.

Submission:

Rady Children's Institute for Genomic Medicine, Rady Children's Hospital San Diego
Classification: Pathogenic for 3-hydroxy-3-methylglutaryl-CoA lyase deficiency. Last evaluated: 2025-09-16. Review status: criteria provided, single submitter. Criteria: ACMG Guidelines, 2015. Collection method: clinical testing. Allele origin: germline. Affected: yes.
Comment: This frameshifting variant in exon 7 of 9 is predicted to result in loss of normal protein function through either protein truncation or nonsense-mediated mRNA decay. Loss-of-function variation in HMGCL is an established mechanism of disease (HGMD, ClinVar database; PMID: 35012601, 35646072). This variant has not been previously reported or functionally characterized in the literature to our knowledge. The c.606_622dup (p.Val208GlyfsTer13) variant is absent from the latest version of the gnomAD population database and thus is presumed to be rare. Based on the available evidence, c.606_622dup (p.Val208GlyfsTer13) is classified as Pathogenic. .

Literature cited by the submitters: PubMed 35012601; PubMed 35646072.